The following is an entry in ClinVar:

NM_000064.4(C3):c.3479A>C (p.Glu1160Ala)

Gene: C3 (complement C3; minus strand). Cytogenetic location: 19p13.3.
Variant type: single nucleotide variant.
Coding change: c.3479A>C on transcript NM_000064.4 (MANE Select); coding-DNA position 3479, A replaced by C.
Protein change: p.Glu1160Ala; replaces glutamic acid 1160 with alanine.
Molecular consequence: missense variant.
Genome position (GRCh38, 1-based): chr19:6,690,639, T>G on the plus strand (A>C on the coding strand, the complement: C3 is on the minus strand). VCF-style: chr19-6690639-T-G. GRCh37 (hg19) VCF-style: chr19-6690650-T-G.
Other names: short protein forms E1160A.
Identifiers: ClinVar variation 4280214 (VCV004280214.1).
Genomic context (GRCh38, chr19:6,690,639, plus strand): 5'-GCTCTGCATCGGGTAAGGTAGGGTAGGGTGGGAAGATGGAGGGCACTTACGTTGACCTGC[T>G]CCTCGCAAATATCTTTAGCCTCCTGCAGCGAGATGAGAACAAAGGCCGTGAGGGCCATGT-3'
Protein context (NP_000055.2, residues 1150-1170): SLQEAKDICE[Glu1160Ala]QVNSLPGSIT

ClinVar aggregate classification (germline): Uncertain significance (1 of 4 stars; one submission).

Conditions:
Complement component 3 deficiency. Identifiers: Orphanet 280133, MedGen C3151071, MONDO:0013417, OMIM 613779.
C3 glomerulonephritis. Also called: Nephropathy due to CFHR5 Deficiency; C3 GLOMERULOPATHY 3. Identifiers: Orphanet 329931, MedGen C4055342, MONDO:0013892, OMIM 614809.
Atypical hemolytic-uremic syndrome. Identifiers: Orphanet 2134, MedGen C2931788, MONDO:0016244.

Submission:

Genomenon, Inc
Classification: Uncertain significance for Complement component 3 deficiency; C3 glomerulonephritis; Atypical hemolytic-uremic syndrome. Last evaluated: 2025-09-30. Review status: criteria provided, single submitter. Criteria: Genomenon Sequence Variant Interpretation Standards. Collection method: curation. Allele origin: germline. Affected: no.
Comment: C3 p.Glu1160Ala (c.3479A>C) is a missense variant that changes the amino acid at residue 1160 from Glutamic acid to Alanine. This variant has been reported in the published literature (PMID:20951140;11034390;20083651;20091675;17434528). It is absent or not present at a significant frequency in gnomAD. In silico models agree that this variant is not damaging. In conclusion, we classify C3 p.Glu1160Ala (c.3479A>C) as a variant of unknown significance.

Literature cited by the submitters: PubMed 20951140; PubMed 11034390; PubMed 20083651; PubMed 20091675; PubMed 17434528.